The following is an entry in ClinVar:

NM_013432.5(TONSL):c.1093_1094del (p.Met365fs)

Gene: TONSL (tonsoku like, DNA repair protein; minus strand). Cytogenetic location: 8q24.3.
Variant type: Deletion.
Coding change: c.1093_1094del on transcript NM_013432.5 (MANE Select); coding-DNA positions 1093 to 1094, 2 bases deleted (AT; older notation c.1093_1094delAT).
Protein change: p.Met365fs; shifts the reading frame from methionine 365.
Molecular consequence: frameshift variant.
Genome position (GRCh38, 1-based): chr8:144,440,788-144,440,789, AT deleted on the plus strand (AT on the coding strand, the reverse complement: TONSL is on the minus strand). VCF-style (leftmost placement, unchanged base first): chr8-144440787-CAT-C. GRCh37 (hg19) VCF-style: chr8-145666170-CAT-C.
Other names: short protein forms M365fs.
Identifiers: ClinVar variation 3632022 (VCV003632022.2).

ClinVar aggregate classification (germline): Pathogenic (1 of 4 stars; one submission).

Submission:

Labcorp Genetics (formerly Invitae), Labcorp
Classification: Pathogenic. Last evaluated: 2024-10-16. Review status: criteria provided, single submitter. Criteria: Invitae Variant Classification Sherloc (09022015). Collection method: clinical testing. Allele origin: germline.
Comment: This sequence change creates a premature translational stop signal (p.Met365Glufs*11) in the TONSL gene. It is expected to result in an absent or disrupted protein product. Loss-of-function variants in TONSL are known to be pathogenic (PMID: 30773277). This variant is present in population databases (no rsID available, gnomAD 0.003%). This variant has not been reported in the literature in individuals affected with TONSL-related conditions. For these reasons, this variant has been classified as Pathogenic.

Literature cited by the submitters: PubMed 30773277.